The following is an entry in ClinVar:

NM_001177701.3(IFT27):c.121_122delinsAT (p.Gly41Ile)

Gene: IFT27 (intraflagellar transport 27; minus strand). Cytogenetic location: 22q12.3.
Variant type: Indel.
Coding change: c.121_122delinsAT on transcript NM_001177701.3 (MANE Select); coding-DNA positions 121 to 122, GG replaced by AT.
Protein change: p.Gly41Ile; replaces glycine 41 with isoleucine.
Molecular consequence: missense variant.
Genome position (GRCh38, 1-based): chr22:36,767,358-36,767,359, CC replaced by AT on the plus strand (GG replaced by AT on the coding strand, the reverse complement: IFT27 is on the minus strand). VCF-style: chr22-36767358-CC-AT. GRCh37 (hg19) VCF-style: chr22-37163402-CC-AT.
Other names: c.121_122delinsAT, p.Gly41Ile (NM_001363003.2); c.118_119delinsAT, p.Gly40Ile (NM_006860.5); short protein forms G41I, G40I.
Identifiers: ClinVar variation 3651893 (VCV003651893.2).

ClinVar aggregate classification (germline): Uncertain significance (1 of 4 stars; one submission).

Submission:

Labcorp Genetics (formerly Invitae), Labcorp
Classification: Uncertain significance. Last evaluated: 2024-05-08. Review status: criteria provided, single submitter. Criteria: Invitae Variant Classification Sherloc (09022015). Collection method: clinical testing. Allele origin: germline.
Comment: This sequence change replaces glycine, which is neutral and non-polar, with isoleucine, which is neutral and non-polar, at codon 40 of the IFT27 protein (p.Gly40Ile). Information on the frequency of this variant in the gnomAD database is not available, as this variant may be reported differently in the database. This variant has not been reported in the literature in individuals affected with IFT27-related conditions. An algorithm developed to predict the effect of missense changes on protein structure and function (PolyPhen-2) suggests that this variant is likely to be disruptive. In summary, the available evidence is currently insufficient to determine the role of this variant in disease. Therefore, it has been classified as a Variant of Uncertain Significance.